The following is an entry in ClinVar:

ClinVar aggregate classification (germline): Likely pathogenic (1 of 4 stars; one submission).

Conditions:
Menkes kinky-hair syndrome (MNK). Also called: Copper transport disease; Classic Menkes Disease; Menkes Disease. Identifiers: Orphanet 565, MedGen C0022716, MONDO:0010651, OMIM 309400.

Submission:

Myriad Genetics, Inc.
Classification: Likely pathogenic for Menkes kinky-hair syndrome. Last evaluated: 2022-01-17. Review status: criteria provided, single submitter. Criteria: Myriad Autosomal Dominant, Autosomal Recessive and X-Linked Classification Criteria (2023). Collection method: clinical testing. Allele origin: unknown.
Comment: NM_000052.5(ATP7A):c.3793_3794delGC(A1265Ffs*7) is expected to be pathogenic in the context of ATP7A-related disorders. This variant is predicted to lead to an abnormal or absent protein product due to the creation of a premature termination codon in ATP7A, a gene where loss-of-function variants are known to be pathogenic. Please note: this variant was assessed in the context of healthy population screening.

NM_000052.7(ATP7A):c.3793_3794del (p.Ala1265fs)

Gene: ATP7A (ATPase copper transporting alpha; plus strand). Cytogenetic location: Xq21.1.
Variant type: Deletion.
Coding change: c.3793_3794del on transcript NM_000052.7 (MANE Select); coding-DNA positions 3793 to 3794, 2 bases deleted (GC; older notation c.3793_3794delGC).
Protein change: p.Ala1265fs; shifts the reading frame from alanine 1265.
Molecular consequence: frameshift variant. On other transcripts: non-coding transcript variant (1).
Genome position (GRCh38, 1-based): chrX:78,040,725-78,040,726, GC deleted. VCF-style (leftmost placement, unchanged base first): chrX-78040724-TGC-T. GRCh37 (hg19) VCF-style: chrX-77296222-TGC-T.
Other names: c.3559_3560del, p.Ala1187fs (NM_001282224.2); short protein forms A1187fs, A1265fs.
Identifiers: ClinVar variation 1723972 (VCV001723972.3), dbSNP rs2522414777, ClinGen allele CA2580101991.
Genomic context (GRCh38, chrX:78,040,724, plus strand): 5'-ATCTATGGGCTTAGAAGTAGTTCTGATGACTGGAGACAACAGTAAAACAGCTAGATCTAT[TGC>T]TTCTCAGGTAATTGATAGGGGTATGTGATAACTTCTAATTATTGATATACATTTTATATC-3'